The following is an entry in ClinVar:

NM_021101.5(CLDN1):c.179G>A (p.Gly60Glu)

Genes: CLDN1 (claudin 1; minus strand), CLDN16 (claudin 16; plus strand). Cytogenetic location: 3q28.
Variant type: single nucleotide variant.
Coding change: c.179G>A on transcript NM_021101.5 (MANE Select); coding-DNA position 179, G replaced by A.
Protein change: p.Gly60Glu; replaces glycine 60 with glutamic acid.
Molecular consequence: missense variant. On other transcripts: intron variant (2).
Genome position (GRCh38, 1-based): chr3:190,322,028, C>T on the plus strand (G>A on the coding strand, the complement: CLDN1 is on the minus strand). VCF-style: chr3-190322028-C-T. GRCh37 (hg19) VCF-style: chr3-190039817-C-T.
Other names: c.-279+6969C>T (NM_001378492.1); c.-279+31437C>T (NM_001378493.1); short protein forms G60E.
Identifiers: ClinVar variation 4996853 (VCV004996853.1).

ClinVar aggregate classification (germline): Uncertain significance (1 of 4 stars; one submission).

Conditions:
CLDN1-related disorder. Also called: CLDN1-related condition.

gnomAD v4.1: 4 of 1,614,204 alleles (0.00025%); highest among the groups gnomAD compares: Non-Finnish European, 0.00034%; no homozygotes.

Submission:

PreventionGenetics, part of Exact Sciences
Classification: Uncertain significance for CLDN1-related condition. Last evaluated: 2025-08-04. Review status: criteria provided, single submitter. Criteria: ACMG Guidelines, 2015. Collection method: clinical testing. Allele origin: germline.
Comment: The CLDN1 c.179G>A variant is predicted to result in the amino acid substitution p.Gly60Glu. To our knowledge, this variant has not been reported in the literature. This variant is reported in 0.00088% of alleles in individuals of European (Non-Finnish) descent in gnomAD. At this time, the clinical significance of this variant is uncertain due to the absence of conclusive functional and genetic evidence.